The following is an entry in ClinVar:

NM_000088.4(COL1A1):c.298+6G>A

Gene: COL1A1 (collagen type I alpha 1 chain; minus strand). Cytogenetic location: 17q21.33.
Variant type: single nucleotide variant.
Coding change: c.298+6G>A on transcript NM_000088.4 (MANE Select); 6 bases into the intron after coding-DNA position 298, G replaced by A.
Molecular consequence: intron variant.
Genome position (GRCh38, 1-based): chr17:50,199,747, C>T on the plus strand (G>A on the coding strand, the complement: COL1A1 is on the minus strand). VCF-style: chr17-50199747-C-T. GRCh37 (hg19) VCF-style: chr17-48277108-C-T.
Identifiers: ClinVar variation 3714999 (VCV003714999.2).

ClinVar aggregate classification (germline): Uncertain significance (1 of 4 stars; one submission).

Conditions:
Osteogenesis imperfecta type I (OI1). Also called: OI, TYPE I; OSTEOGENESIS IMPERFECTA TARDA; OSTEOGENESIS IMPERFECTA WITH BLUE SCLERAE; Osteogenesis imperfecta type 1; Lobstein's Disease; Lobstein disease. Identifiers: Orphanet 216796, Orphanet 666, MedGen C0023931, MONDO:0008146, OMIM 166200. Disease mechanism: loss of function.

gnomAD v4.1: 3 of 1,610,672 alleles (0.00019%); highest among the groups gnomAD compares: Non-Finnish European, 0.00025%; no homozygotes.

Submission:

Labcorp Genetics (formerly Invitae), Labcorp
Classification: Uncertain significance for Osteogenesis imperfecta type I. Last evaluated: 2025-09-30. Review status: criteria provided, single submitter. Criteria: Invitae Variant Classification Sherloc (09022015). Collection method: clinical testing. Allele origin: germline.
Comment: This sequence change falls in intron 2 of the COL1A1 gene. It does not directly change the encoded amino acid sequence of the COL1A1 protein. It affects a nucleotide within the consensus splice site. This variant is present in population databases (no rsID available, gnomAD 0.0009%). This variant has not been reported in the literature in individuals affected with COL1A1-related conditions. ClinVar contains an entry for this variant (Variation ID: 3714999). Variants that disrupt the consensus splice site are a relatively common cause of aberrant splicing (PMID: 17576681, 9536098). Algorithms developed to predict the effect of sequence changes on RNA splicing suggest that this variant is not likely to affect RNA splicing. In summary, the available evidence is currently insufficient to determine the role of this variant in disease. Therefore, it has been classified as a Variant of Uncertain Significance.

Literature cited by the submitters: PubMed 17576681; PubMed 9536098.